The following is an entry in ClinVar:

ClinVar aggregate classification (germline): Uncertain significance (1 of 4 stars; one submission).

Conditions:
Achondrogenesis, type IA (ACG1A). Identifiers: Orphanet 932, Orphanet 93299, MedGen C0265273, MONDO:0008701, OMIM 200600.

Submission:

Labcorp Genetics (formerly Invitae), Labcorp
Classification: Uncertain significance for Achondrogenesis, type IA. Last evaluated: 2025-08-05. Review status: criteria provided, single submitter. Criteria: Invitae Variant Classification Sherloc (09022015). Collection method: clinical testing. Allele origin: germline.
Comment: This sequence change replaces lysine, which is basic and polar, with glutamine, which is neutral and polar, at codon 1880 of the TRIP11 protein (p.Lys1880Gln). This variant is not present in population databases (gnomAD no frequency). This variant has not been reported in the literature in individuals affected with TRIP11-related conditions. Invitae Evidence Modeling of protein sequence and biophysical properties (such as structural, functional, and spatial information, amino acid conservation, physicochemical variation, residue mobility, and thermodynamic stability) has been performed for this missense variant. However, the output from this modeling did not meet the statistical confidence thresholds required to predict the impact of this variant on TRIP11 protein function. In summary, the available evidence is currently insufficient to determine the role of this variant in disease. Therefore, it has been classified as a Variant of Uncertain Significance.

NM_004239.4(TRIP11):c.5638A>C (p.Lys1880Gln)

Gene: TRIP11 (thyroid hormone receptor interactor 11; minus strand). Cytogenetic location: 14q32.12.
Variant type: single nucleotide variant.
Coding change: c.5638A>C on transcript NM_004239.4 (MANE Select); coding-DNA position 5638, A replaced by C.
Protein change: p.Lys1880Gln; replaces lysine 1880 with glutamine.
Molecular consequence: missense variant.
Genome position (GRCh38, 1-based): chr14:91,972,798, T>G on the plus strand (A>C on the coding strand, the complement: TRIP11 is on the minus strand). VCF-style: chr14-91972798-T-G. GRCh37 (hg19) VCF-style: chr14-92439142-T-G.
Other names: c.5635A>C, p.Lys1879Gln (NM_001321851.1); short protein forms K1880Q, K1879Q.
Identifiers: ClinVar variation 4737540 (VCV004737540.1).